The following is an entry in ClinVar:

NM_020458.4(TTC7A):c.1651G>T (p.Ala551Ser)

Gene: TTC7A (tetratricopeptide repeat domain 7A; plus strand). Cytogenetic location: 2p21.
Variant type: single nucleotide variant.
Coding change: c.1651G>T on transcript NM_020458.4 (MANE Select); coding-DNA position 1651, G replaced by T.
Protein change: p.Ala551Ser; replaces alanine 551 with serine.
Molecular consequence: missense variant.
Genome position (GRCh38, 1-based): chr2:47,029,233, G>T. VCF-style: chr2-47029233-G-T. GRCh37 (hg19) VCF-style: chr2-47256372-G-T.
Other names: c.1651G>T (NM_020458.2); c.1651G>T, p.Ala551Ser (NM_001288951.2); c.1549G>T, p.Ala517Ser (NM_001288953.2); c.589G>T, p.Ala197Ser (NM_001288955.2); short protein forms A197S, A517S, A551S.
Identifiers: ClinVar variation 1055428 (VCV001055428.10), dbSNP rs752527109, ClinGen allele CA1647817.

ClinVar aggregate classification (germline): Uncertain significance. Review status: criteria provided, multiple submitters, no conflicts (2 of 4 stars). 2 submissions from 2 submitters: Uncertain significance (2). Last evaluated 2025-02-27.

Conditions:
Inborn genetic diseases. Identifiers: MedGen C0950123, MeSH D030342.
Multiple gastrointestinal atresias. Also called: Multiple intestinal atresia; FAMILIAL INTESTINAL POLYATRESIA SYNDROME. Identifiers: Orphanet 2300, MedGen C0220744, MONDO:0009465.

Allele frequency attached by ClinVar (database versions not stated): gnomAD exomes below 0.00001; ExAC 0.00001; gnomAD 0.00001; TOPMed 0.00002.
gnomAD v4.1: 7 of 1,613,672 alleles (0.00043%); highest among the groups gnomAD compares: African/African-American, 0.0093%; no homozygotes.

Submissions (2):

Ambry Genetics
Classification: Uncertain significance for Inborn genetic diseases. Last evaluated: 2025-02-27. Review status: criteria provided, single submitter. Criteria: Ambry Variant Classification Scheme 2023. Collection method: clinical testing. Allele origin: germline.

Labcorp Genetics (formerly Invitae), Labcorp
Classification: Uncertain significance for Multiple gastrointestinal atresias. Last evaluated: 2024-08-05. Review status: criteria provided, single submitter. Criteria: Invitae Variant Classification Sherloc (09022015). Collection method: clinical testing. Allele origin: germline.
Comment: This sequence change replaces alanine, which is neutral and non-polar, with serine, which is neutral and polar, at codon 551 of the TTC7A protein (p.Ala551Ser). The frequency data for this variant in the population databases is considered unreliable, as metrics indicate poor data quality at this position in the gnomAD database. This variant has not been reported in the literature in individuals affected with TTC7A-related conditions. ClinVar contains an entry for this variant (Variation ID: 1055428). Advanced modeling of protein sequence and biophysical properties (such as structural, functional, and spatial information, amino acid conservation, physicochemical variation, residue mobility, and thermodynamic stability) performed at Invitae indicates that this missense variant is not expected to disrupt TTC7A protein function with a negative predictive value of 80%. In summary, the available evidence is currently insufficient to determine the role of this variant in disease. Therefore, it has been classified as a Variant of Uncertain Significance.